The following is an entry in ClinVar:

NM_001012759.3(CTU2):c.763C>T (p.Arg255Ter)

Gene: CTU2 (cytosolic thiouridylase subunit 2; plus strand). Cytogenetic location: 16q24.3.
Variant type: single nucleotide variant.
Coding change: c.763C>T on transcript NM_001012759.3 (MANE Select); coding-DNA position 763, C replaced by T.
Protein change: p.Arg255Ter; replaces arginine 255 with a stop codon.
Molecular consequence: nonsense.
Genome position (GRCh38, 1-based): chr16:88,713,337, C>T. VCF-style: chr16-88713337-C-T. GRCh37 (hg19) VCF-style: chr16-88779745-C-T.
Other names: c.763C>T, p.Arg255Ter (NM_001012762.3); c.976C>T, p.Arg326Ter (NM_001318507.2); c.502C>T, p.Arg168Ter (NM_001318513.2); short protein forms R168*, R255*, R326*.
Identifiers: ClinVar variation 4883243 (VCV004883243.2).

ClinVar aggregate classification (germline): Uncertain significance (1 of 4 stars; one submission).

gnomAD v4.1: 21 of 1,598,596 alleles (0.0013%); highest among the groups gnomAD compares: East Asian, 0.012%; 1 homozygote.

Submission:

Dasa
Classification: Uncertain significance. Last evaluated: 2024-08-09. Review status: criteria provided, single submitter. Criteria: DASA Assertion Criteria. Collection method: clinical testing. Allele origin: germline.
Comment: NM_001012759.3(CTU2):c.763C>T (p.Arg255*) is a nonsense variant in CTU2 predicted to introduce a premature termination codon. This variant is rare in population databases. The currently available literature and clinical evidence are not sufficient to establish a definitive association between this variant and the reported condition. Therefore, this variant is classified as a variant of uncertain significance.